The following is an entry in ClinVar:

ClinVar aggregate classification (germline): Likely benign (0 of 4 stars; one submission).

Conditions:
TMX2-related disorder. Also called: TMX2-related condition.

Allele frequency attached by ClinVar (database versions not stated): gnomAD 0.00001; TOPMed 0.00001; ExAC 0.00002; gnomAD exomes 0.00002; ESP Exome Variant Server 0.00015.
gnomAD v4.1: 29 of 1,613,872 alleles (0.0018%); highest among the groups gnomAD compares: Non-Finnish European, 0.0024%; no homozygotes.

Submission:

PreventionGenetics, part of Exact Sciences
Classification: Likely benign for TMX2-related condition. Last evaluated: 2021-03-19. Review status: no assertion criteria provided. Collection method: clinical testing. Allele origin: germline.
Comment: This variant is classified as likely benign based on ACMG/AMP sequence variant interpretation guidelines (Richards et al. 2015 PMID: 25741868, with internal and published modifications).

NM_015959.4(TMX2):c.799C>T (p.Leu267=)

Genes: TMX2 (thioredoxin related transmembrane protein 2; plus strand), TMX2-CTNND1 (TMX2-CTNND1 readthrough (NMD candidate); plus strand). Cytogenetic location: 11q12.1.
Variant type: single nucleotide variant.
Coding change: c.799C>T on transcript NM_015959.4 (MANE Select); coding-DNA position 799, C replaced by T.
Protein change: p.Leu267=; no amino-acid change (leucine 267 retained).
Molecular consequence: synonymous variant. On other transcripts: 3 prime UTR variant (1), non-coding transcript variant (4).
Genome position (GRCh38, 1-based): chr11:57,740,153, C>T. VCF-style: chr11-57740153-C-T. GRCh37 (hg19) VCF-style: chr11-57507625-C-T.
Other names: c.685C>T, p.Leu229= (NM_001144012.3); c.820C>T, p.Leu274= (NM_001347890.2); c.715C>T, p.Leu239= (NM_001347891.2); c.592C>T, p.Leu198= (NM_001347892.2); c.538C>T, p.Leu180= (NM_001347893.2); c.517C>T, p.Leu173= (NM_001347894.2, NM_001347895.2, NM_001347896.2); c.*92C>T (NM_001347898.2).
Identifiers: ClinVar variation 3048906 (VCV003048906.2), dbSNP rs367769512, ClinGen allele CA6009744.